The following is an entry in ClinVar:

NM_005228.5(EGFR):c.1675C>T (p.His559Tyr)

Gene: EGFR (epidermal growth factor receptor; plus strand). Cytogenetic location: 7p11.2.
Variant type: single nucleotide variant.
Coding change: c.1675C>T on transcript NM_005228.5 (MANE Select); coding-DNA position 1675, C replaced by T.
Protein change: p.His559Tyr; replaces histidine 559 with tyrosine.
Molecular consequence: missense variant.
Genome position (GRCh38, 1-based): chr7:55,163,776, C>T. VCF-style: chr7-55163776-C-T. GRCh37 (hg19) VCF-style: chr7-55231469-C-T.
Other names: c.1675C>T (NM_005228.3); c.1540C>T, p.His514Tyr (NM_001346897.2, NM_001346899.2); c.1675C>T, p.His559Tyr (NM_001346898.2, NM_201282.2, NM_201284.2); c.1516C>T, p.His506Tyr (NM_001346900.2); c.874C>T, p.His292Tyr (NM_001346941.2); short protein forms H292Y, H506Y, H514Y, H559Y.
Identifiers: ClinVar variation 1003743 (VCV001003743.9), dbSNP rs1785821813, ClinGen allele CA367580499.
Genomic context (GRCh38, chr7:55,163,776, plus strand): 5'-CCTCTTCCTCCTCTCAGTGAGCCAAGGGAGTTTGTGGAGAACTCTGAGTGCATACAGTGC[C>T]ACCCAGAGTGCCTGCCTCAGGCCATGAACATCACCTGCACAGGACGGGTAAGAGCCCCTT-3'
Protein context (NP_005219.2, residues 549-569): FVENSECIQC[His559Tyr]PECLPQAMNI

ClinVar aggregate classification (germline): Uncertain significance. Review status: criteria provided, multiple submitters, no conflicts (2 of 4 stars). 2 submissions from 2 submitters: Uncertain significance (2). Last evaluated 2026-07-07.

Conditions:
EGFR-related lung cancer (EGFR). Identifiers: MedGen CN130014.
Hereditary cancer-predisposing syndrome. Also called: Tumor predisposition; Hereditary Cancer Syndrome; Hereditary neoplastic syndrome; Neoplastic Syndromes, Hereditary. Identifiers: Orphanet 140162, MedGen C0027672, MeSH D009386, MONDO:0015356.

Submissions (2):

Ambry Genetics
Classification: Uncertain significance for Hereditary cancer-predisposing syndrome. Last evaluated: 2026-07-07. Review status: criteria provided, single submitter. Criteria: Ambry Variant Classification Scheme 2023. Collection method: clinical testing. Allele origin: germline.
Comment: The p.H559Y variant (also known as c.1675C>T), located in coding exon 14 of the EGFR gene, results from a C to T substitution at nucleotide position 1675. The histidine at codon 559 is replaced by tyrosine, an amino acid with similar properties. This amino acid position is conserved. In addition, this alteration is predicted to be tolerated by in silico analysis. Based on the available evidence, the clinical significance of this variant remains unclear.

Labcorp Genetics (formerly Invitae), Labcorp
Classification: Uncertain significance for EGFR-related lung cancer. Last evaluated: 2022-04-23. Review status: criteria provided, single submitter. Criteria: Invitae Variant Classification Sherloc (09022015). Collection method: clinical testing. Allele origin: germline.
Comment: In summary, the available evidence is currently insufficient to determine the role of this variant in disease. Therefore, it has been classified as a Variant of Uncertain Significance. Algorithms developed to predict the effect of missense changes on protein structure and function are either unavailable or do not agree on the potential impact of this missense change (SIFT: "Tolerated"; PolyPhen-2: "Possibly Damaging"; Align-GVGD: "Class C0"). ClinVar contains an entry for this variant (Variation ID: 1003743). This variant has not been reported in the literature in individuals affected with EGFR-related conditions. This variant is not present in population databases (gnomAD no frequency). This sequence change replaces histidine, which is basic and polar, with tyrosine, which is neutral and polar, at codon 559 of the EGFR protein (p.His559Tyr).